The following is an entry in ClinVar:

NM_000321.3(RB1):c.1499-1G>A

Gene: RB1 (RB transcriptional corepressor 1; plus strand). Cytogenetic location: 13q14.2.
Variant type: single nucleotide variant.
Coding change: c.1499-1G>A on transcript NM_000321.3 (MANE Select); the canonical splice acceptor site of the intron before coding-DNA position 1499, G replaced by A.
Molecular consequence: splice acceptor variant.
Genome position (GRCh38, 1-based): chr13:48,381,246, G>A. VCF-style: chr13-48381246-G-A. GRCh37 (hg19) VCF-style: chr13-48955382-G-A.
Other names: c.1499-1G>A (NM_001407165.1, NM_001407166.1).
Identifiers: ClinVar variation 3237000 (VCV003237000.1), dbSNP rs1485450031.

ClinVar aggregate classification (germline): Pathogenic (1 of 4 stars; one submission).

Conditions:
Retinoblastoma (RB1). Also called: RETINOBLASTOMA, SOMATIC. Identifiers: Orphanet 790, MedGen C0035335, MeSH D012175, MONDO:0008380, OMIM 180200, HP:0009919. Disease mechanism: loss of function. Inheritance: Both sporadic and heritable forms are tested..

Submission:

Genetic Diagnostic Laboratory, University of Pennsylvania School of Medicine
Classification: Pathogenic for Retinoblastoma. Last evaluated: 2024-05-20. Review status: criteria provided, single submitter. Criteria: ACMG Guidelines, 2015. Collection method: clinical testing. Allele origin: germline. Affected: yes. Observed: 1 variant allele.
Comment: Case and Pedigree Information: BILATERAL CASES:1, UNILATERAL CASES:0, TOTAL CASES:1, PEDIGREES:1. ACMG Codes Applied:PVS1, PM2